The following is an entry in ClinVar:

ClinVar aggregate classification (germline): Uncertain significance (1 of 4 stars; one submission).

Allele frequency attached by ClinVar (database versions not stated): gnomAD exomes below 0.00001; TOPMed 0.00001.

Submission:

Labcorp Genetics (formerly Invitae), Labcorp
Classification: Uncertain significance. Last evaluated: 2025-01-27. Review status: criteria provided, single submitter. Criteria: Invitae Variant Classification Sherloc (09022015). Collection method: clinical testing. Allele origin: germline.
Comment: This sequence change replaces glutamic acid, which is acidic and polar, with aspartic acid, which is acidic and polar, at codon 467 of the C1S protein (p.Glu467Asp). This variant is not present in population databases (gnomAD no frequency). This variant has not been reported in the literature in individuals affected with C1S-related conditions. ClinVar contains an entry for this variant (Variation ID: 1983313). Invitae Evidence Modeling of protein sequence and biophysical properties (such as structural, functional, and spatial information, amino acid conservation, physicochemical variation, residue mobility, and thermodynamic stability) indicates that this missense variant is not expected to disrupt C1S protein function with a negative predictive value of 80%. In summary, the available evidence is currently insufficient to determine the role of this variant in disease. Therefore, it has been classified as a Variant of Uncertain Significance.

NM_001734.5(C1S):c.1401G>C (p.Glu467Asp)

Gene: C1S (complement C1s; plus strand). Cytogenetic location: 12p13.31.
Variant type: single nucleotide variant.
Coding change: c.1401G>C on transcript NM_001734.5 (MANE Select); coding-DNA position 1401, G replaced by C.
Protein change: p.Glu467Asp; replaces glutamic acid 467 with aspartic acid.
Molecular consequence: missense variant.
Genome position (GRCh38, 1-based): chr12:7,069,985, G>C. VCF-style: chr12-7069985-G-C. GRCh37 (hg19) VCF-style: chr12-7177289-G-C.
Other names: c.900G>C, p.Glu300Asp (NM_001346850.2); c.1401G>C, p.Glu467Asp (NM_201442.4); short protein forms E467D, E300D.
Identifiers: ClinVar variation 1983313 (VCV001983313.4), dbSNP rs1937798942, ClinGen allele CA383704294.